The following is an entry in ClinVar:

NM_020937.4(FANCM):c.2801C>T (p.Thr934Ile)

Gene: FANCM (FA complementation group M; plus strand). Cytogenetic location: 14q21.2.
Variant type: single nucleotide variant.
Coding change: c.2801C>T on transcript NM_020937.4 (MANE Select); coding-DNA position 2801, C replaced by T.
Protein change: p.Thr934Ile; replaces threonine 934 with isoleucine.
Molecular consequence: missense variant.
Genome position (GRCh38, 1-based): chr14:45,175,555, C>T. VCF-style: chr14-45175555-C-T. GRCh37 (hg19) VCF-style: chr14-45644758-C-T.
Other names: c.2723C>T, p.Thr908Ile (NM_001308133.2); short protein forms T908I, T934I.
Identifiers: ClinVar variation 2057436 (VCV002057436.4), dbSNP rs565454064, ClinGen allele CA7169412.

ClinVar aggregate classification (germline): Uncertain significance (1 of 4 stars; one submission).

Conditions:
Fanconi anemia (FA). Also called: Fanconi's anemia. Identifiers: Orphanet 84, MedGen C0015625, MeSH D005199, MONDO:0019391.

Allele frequency attached by ClinVar (database versions not stated): ExAC 0.00003; 1000 Genomes Project 0.00020; gnomAD 0.00001; 1000 Genomes Project 30x 0.00016.
gnomAD v4.1: 11 of 1,613,186 alleles (0.00068%); highest among the groups gnomAD compares: South Asian, 0.0099%; no homozygotes.

Submission:

Labcorp Genetics (formerly Invitae), Labcorp
Classification: Uncertain significance for Fanconi anemia. Last evaluated: 2022-09-29. Review status: criteria provided, single submitter. Criteria: Invitae Variant Classification Sherloc (09022015). Collection method: clinical testing. Allele origin: germline.
Comment: In summary, the available evidence is currently insufficient to determine the role of this variant in disease. Therefore, it has been classified as a Variant of Uncertain Significance. Algorithms developed to predict the effect of missense changes on protein structure and function output the following: SIFT: "Tolerated"; PolyPhen-2: "Benign"; Align-GVGD: "Class C0". The isoleucine amino acid residue is found in multiple mammalian species, which suggests that this missense change does not adversely affect protein function. This variant has not been reported in the literature in individuals affected with FANCM-related conditions. This variant is present in population databases (rs565454064, gnomAD 0.02%). This sequence change replaces threonine, which is neutral and polar, with isoleucine, which is neutral and non-polar, at codon 934 of the FANCM protein (p.Thr934Ile).